The following is an entry in ClinVar:

NM_001384732.1(CPLANE1):c.3100A>G (p.Ile1034Val)

Gene: CPLANE1 (ciliogenesis and planar polarity effector complex subunit 1; minus strand). Cytogenetic location: 5p13.2.
Variant type: single nucleotide variant.
Coding change: c.3100A>G on transcript NM_001384732.1 (MANE Select); coding-DNA position 3100, A replaced by G.
Protein change: p.Ile1034Val; replaces isoleucine 1034 with valine.
Molecular consequence: missense variant.
Genome position (GRCh38, 1-based): chr5:37,206,246, T>C on the plus strand (A>G on the coding strand, the complement: CPLANE1 is on the minus strand). VCF-style: chr5-37206246-T-C. GRCh37 (hg19) VCF-style: chr5-37206348-T-C.
Other names: c.3100A>G, p.Ile1034Val (NM_023073.4); short protein forms I1034V.
Identifiers: ClinVar variation 957288 (VCV000957288.7), dbSNP rs965483152, ClinGen allele CA117082574.

ClinVar aggregate classification (germline): Uncertain significance. Review status: criteria provided, multiple submitters, no conflicts (2 of 4 stars). 3 submissions from 3 submitters: Uncertain significance (3). Last evaluated 2024-06-20.

Conditions:
Inborn genetic diseases. Identifiers: MedGen C0950123, MeSH D030342.
Orofaciodigital syndrome type 6 (OFD6). Also called: Oral-facial-digital syndrome type 6; Central polydactyly cleft lip/palate or lingual lump and psychomotor retardation; Y-shaped central metacarpal and cerebellar defect; Joubert syndrome with orofacialdigital anomalies; OROFACIODIGITAL SYNDROME VI; OFDS VI. Identifiers: Orphanet 2754, MedGen C2745997, MONDO:0010176, OMIM 277170.
Joubert syndrome 17 (JBTS17). Identifiers: Orphanet 475, MedGen C3553264, MONDO:0013824, OMIM 614615.

Allele frequency attached by ClinVar (database versions not stated): gnomAD exomes 0.00001 and 0.00007; gnomAD 0.00005; TOPMed 0.00005.

Submissions (3):

Fulgent Genetics
Classification: Uncertain significance for Orofaciodigital syndrome type 6; Joubert syndrome 17. Last evaluated: 2024-06-20. Review status: criteria provided, single submitter. Criteria: ACMG Guidelines, 2015. Collection method: clinical testing. Allele origin: germline.

Labcorp Genetics (formerly Invitae), Labcorp
Classification: Uncertain significance. Last evaluated: 2022-10-04. Review status: criteria provided, single submitter. Criteria: Invitae Variant Classification Sherloc (09022015). Collection method: clinical testing. Allele origin: germline.
Comment: This sequence change replaces isoleucine, which is neutral and non-polar, with valine, which is neutral and non-polar, at codon 1034 of the CPLANE1 protein (p.Ile1034Val). This variant is present in population databases (no rsID available, gnomAD 0.008%). This variant has not been reported in the literature in individuals affected with CPLANE1-related conditions. ClinVar contains an entry for this variant (Variation ID: 957288). Advanced modeling of protein sequence and biophysical properties (such as structural, functional, and spatial information, amino acid conservation, physicochemical variation, residue mobility, and thermodynamic stability) performed at Invitae indicates that this missense variant is not expected to disrupt CPLANE1 protein function. Algorithms developed to predict the effect of sequence changes on RNA splicing suggest that this variant may create or strengthen a splice site. In summary, the available evidence is currently insufficient to determine the role of this variant in disease. Therefore, it has been classified as a Variant of Uncertain Significance.

Ambry Genetics
Classification: Uncertain significance for Inborn genetic diseases. Last evaluated: 2022-05-09. Review status: criteria provided, single submitter. Criteria: Ambry Variant Classification Scheme 2023. Collection method: clinical testing. Allele origin: germline.